The following is an entry in ClinVar:

ClinVar aggregate classification (germline): Uncertain significance (1 of 4 stars; one submission).

Conditions:
FGFR3-related chondrodysplasia. Identifiers: Orphanet 93420, MedGen C5681604, MONDO:0019685.

gnomAD v4.1: 4 of 1,612,634 alleles (0.00025%); highest among the groups gnomAD compares: East Asian, 0.0089%; no homozygotes.

Submission:

Genomenon, Inc
Classification: Uncertain significance for FGFR3-related chondrodysplasia. Last evaluated: 2026-06-23. Review status: criteria provided, single submitter. Criteria: Genomenon Sequence Variant Interpretation Standards - Updated. Collection method: curation. Allele origin: germline. Affected: no.
Comment: FGFR3 p.Asn653Thr (c.1958A>C) is a missense variant that changes the amino acid at codon 653 from Asparagine to Threonine. This variant has been reported in the published literature (PMID:32529806). It is absent or not present at a significant frequency in gnomAD. In conclusion, we classify FGFR3 p.Asn653Thr (c.1958A>C) as a variant of uncertain significance.

Literature cited by the submitters: PubMed 32529806.

NM_000142.5(FGFR3):c.1958A>C (p.Asn653Thr)

Gene: FGFR3 (fibroblast growth factor receptor 3; plus strand). Cytogenetic location: 4p16.3.
Variant type: single nucleotide variant.
Coding change: c.1958A>C on transcript NM_000142.5 (MANE Select); coding-DNA position 1958, A replaced by C.
Protein change: p.Asn653Thr; replaces asparagine 653 with threonine.
Molecular consequence: missense variant. On other transcripts: non-coding transcript variant (1).
Genome position (GRCh38, 1-based): chr4:1,806,172, A>C. VCF-style: chr4-1806172-A-C. GRCh37 (hg19) VCF-style: chr4-1807899-A-C.
Other names: c.1964A>C, p.Asn655Thr (NM_001163213.2); c.1961A>C, p.Asn654Thr (NM_001354809.2, NM_001354810.2); c.1622A>C, p.Asn541Thr (NM_022965.4); short protein forms N541T, N653T, N654T, N655T.
Identifiers: ClinVar variation 4857798 (VCV004857798.1).